The following is an entry in ClinVar:

NM_017514.5(PLXNA3):c.274C>T (p.Pro92Ser)

Gene: PLXNA3 (plexin A3; plus strand). Cytogenetic location: Xq28.
Variant type: single nucleotide variant.
Coding change: c.274C>T on transcript NM_017514.5 (MANE Select); coding-DNA position 274, C replaced by T.
Protein change: p.Pro92Ser; replaces proline 92 with serine.
Molecular consequence: missense variant.
Genome position (GRCh38, 1-based): chrX:154,460,457, C>T. VCF-style: chrX-154460457-C-T. GRCh37 (hg19) VCF-style: chrX-153688797-C-T.
Other names: short protein forms P92S.
Identifiers: ClinVar variation 4998908 (VCV004998908.1).
Genomic context (GRCh38, chrX:154,460,457, plus strand): 5'-GAGGACAACGCTCGCTGCTACCCGCCCCCCAGCATGCGCGTGTGTGCCCACCGCCTGGCC[C>T]CCGTGGACAACATCAACAAGCTGCTGCTCATAGACTATGCGGCCCGCCGCCTGGTGGCCT-3'
Protein context (NP_059984.3, residues 82-102): SMRVCAHRLA[Pro92Ser]VDNINKLLLI

ClinVar aggregate classification (germline): Uncertain significance (1 of 4 stars; one submission).

Conditions:
PLXNA3-related disorder. Also called: PLXNA3-related condition.

Submission:

PreventionGenetics, part of Exact Sciences
Classification: Uncertain significance for PLXNA3-related condition. Last evaluated: 2025-03-17. Review status: criteria provided, single submitter. Criteria: ACMG Guidelines, 2015. Collection method: clinical testing. Allele origin: germline.
Comment: The PLXNA3 c.274C>T variant is predicted to result in the amino acid substitution p.Pro92Ser. To our knowledge, this variant has not been reported in the literature. This variant is reported in 0.0074% of alleles in individuals of East Asian descent in gnomAD. At this time, the clinical significance of this variant is uncertain due to the absence of conclusive functional and genetic evidence.